The following is an entry in ClinVar:

NM_148960.3(CLDN19):c.623G>A (p.Arg208Gln)

Gene: CLDN19 (claudin 19; minus strand). Cytogenetic location: 1p34.2.
Variant type: single nucleotide variant.
Coding change: c.623G>A on transcript NM_148960.3 (MANE Select); coding-DNA position 623, G replaced by A.
Protein change: p.Arg208Gln; replaces arginine 208 with glutamine.
Molecular consequence: missense variant.
Genome position (GRCh38, 1-based): chr1:42,735,881, C>T on the plus strand (G>A on the coding strand, the complement: CLDN19 is on the minus strand). VCF-style: chr1-42735881-C-T. GRCh37 (hg19) VCF-style: chr1-43201552-C-T.
Other names: c.623G>A, p.Arg208Gln (NM_001123395.2); c.538G>A, p.Glu180Lys (NM_001185117.2); short protein forms R208Q, E180K.
Identifiers: ClinVar variation 3493377 (VCV003493377.2).
Genomic context (GRCh38, chr1:42,735,881, plus strand): 5'-TGGGCAAGGGGGCCACTGGGTGGGGGGCTGGCCAGGGCAGGCGGAGCTCAGACGTACTCT[C>T]GGGCAGCAGCAGAGGGTCCAGGCCGATAGGGCTGTGGGCTGCTGTTGGGTCTCTCTGGCT-3'
Protein context (NP_683763.2, residues 198-218): PYRPGPSAAA[Arg208Gln]EPVVKLPASA

ClinVar aggregate classification (germline): Uncertain significance. Review status: criteria provided, multiple submitters, no conflicts (2 of 4 stars). 2 submissions from 2 submitters: Uncertain significance (2). Last evaluated 2025-07-09.

Conditions:
Inborn genetic diseases. Identifiers: MedGen C0950123, MeSH D030342.

Submissions (2):

GeneDx
Classification: Uncertain significance. Last evaluated: 2025-07-09. Review status: criteria provided, single submitter. Criteria: GeneDx Variant Classification Process June 2021. Collection method: clinical testing. Allele origin: germline. Affected: yes.
Comment: Not observed at significant frequency in large population cohorts (gnomAD); In silico analysis suggests that this missense variant does not alter protein structure/function; Has not been previously published as pathogenic or benign to our knowledge

Ambry Genetics
Classification: Uncertain significance for Inborn genetic diseases. Last evaluated: 2024-10-29. Review status: criteria provided, single submitter. Criteria: Ambry Variant Classification Scheme 2023. Collection method: clinical testing. Allele origin: germline.